The following is an entry in ClinVar:

NC_000019.9:g.(?_54297303)_(54307396_?)del

Gene: NLRP12 (NLR family pyrin domain containing 12; minus strand). Cytogenetic location: 19q13.42.
Variant type: Deletion.
Identifiers: ClinVar variation 2427305 (VCV002427305.4).

ClinVar aggregate classification (germline): Uncertain significance (1 of 4 stars; one submission).

Conditions:
Familial cold autoinflammatory syndrome 2 (FCAS2). Identifiers: Orphanet 247868, MedGen C2673198, MONDO:0012724, OMIM 611762.

Submission:

Labcorp Genetics (formerly Invitae), Labcorp
Classification: Uncertain significance for Familial cold autoinflammatory syndrome 2. Last evaluated: 2022-07-30. Review status: criteria provided, single submitter. Criteria: Invitae Variant Classification Sherloc (09022015). Collection method: clinical testing. Allele origin: germline.
Comment: This variant is a gross deletion of the genomic region encompassing exon(s) 6-10 of the NLRP12 gene, which includes the termination codon. This deletion extends beyond the assayed region for this gene and therefore may encompass additional genes. While this deletion is not anticipated to lead to nonsense mediated decay, it is expected to alter mRNA translation or result in a truncated protein product. This variant has not been reported in the literature in individuals affected with NLRP12-related conditions. Experimental studies and prediction algorithms are not available or were not evaluated, and the functional significance of this variant is currently unknown. In summary, the available evidence is currently insufficient to determine the role of this variant in disease. Therefore, it has been classified as a Variant of Uncertain Significance.